The following is an entry in ClinVar:

NM_022114.4(PRDM16):c.1700A>G (p.Gln567Arg)

Gene: PRDM16 (PR/SET domain 16; plus strand). Cytogenetic location: 1p36.32.
Variant type: single nucleotide variant.
Coding change: c.1700A>G on transcript NM_022114.4 (MANE Select); coding-DNA position 1700, A replaced by G.
Protein change: p.Gln567Arg; replaces glutamine 567 with arginine.
Molecular consequence: missense variant.
Genome position (GRCh38, 1-based): chr1:3,411,897, A>G. VCF-style: chr1-3411897-A-G. GRCh37 (hg19) VCF-style: chr1-3328461-A-G.
Other names: c.1700A>G, p.Gln567Arg (NM_199454.3); short protein forms Q567R.
Identifiers: ClinVar variation 1040746 (VCV001040746.8), dbSNP rs1643694103, ClinGen allele CA337998700.

ClinVar aggregate classification (germline): Uncertain significance (1 of 4 stars; one submission).

Conditions:
Left ventricular noncompaction 8 (LVNC8). Identifiers: Orphanet 154, Orphanet 54260, MedGen C3809288, MONDO:0014152, OMIM 615373.

Submission:

Labcorp Genetics (formerly Invitae), Labcorp
Classification: Uncertain significance for Left ventricular noncompaction 8. Last evaluated: 2020-03-22. Review status: criteria provided, single submitter. Criteria: Invitae Variant Classification Sherloc (09022015). Collection method: clinical testing. Allele origin: germline.
Comment: This sequence change replaces glutamine with arginine at codon 567 of the PRDM16 protein (p.Gln567Arg). The glutamine residue is highly conserved and there is a small physicochemical difference between glutamine and arginine. This variant is not present in population databases (ExAC no frequency). This variant has not been reported in the literature in individuals with PRDM16-related conditions. Algorithms developed to predict the effect of missense changes on protein structure and function (SIFT, PolyPhen-2, Align-GVGD) all suggest that this variant is likely to be tolerated, but these predictions have not been confirmed by published functional studies and their clinical significance is uncertain. In summary, the available evidence is currently insufficient to determine the role of this variant in disease. Therefore, it has been classified as a Variant of Uncertain Significance.